The following is an entry in ClinVar:

ClinVar aggregate classification (germline): Pathogenic (1 of 4 stars; one submission).

Conditions:
Fanconi anemia (FA). Also called: Fanconi's anemia. Identifiers: Orphanet 84, MedGen C0015625, MeSH D005199, MONDO:0019391.

Submission:

Labcorp Genetics (formerly Invitae), Labcorp
Classification: Pathogenic for Fanconi anemia. Last evaluated: 2022-10-17. Review status: criteria provided, single submitter. Criteria: Invitae Variant Classification Sherloc (09022015). Collection method: clinical testing. Allele origin: germline.
Comment: For these reasons, this variant has been classified as Pathogenic. A similar copy number variant has been observed in individual(s) with Fanconi anemia (PMID: 15059067, 29797310). It has also been observed to segregate with disease in related individuals. This variant is a gross deletion of the genomic region encompassing exon(s) 6-31 of the FANCA gene. This variant would be expected to be in-frame, preserving the integrity of the reading frame.

Literature cited by the submitters: PubMed 15059067; PubMed 29797310.

NC_000016.9:g.(?_89818526)_(89874795_?)del

Gene: FANCA (FA complementation group A; minus strand). Cytogenetic location: 16q24.3.
Variant type: Deletion.
Identifiers: ClinVar variation 1457117 (VCV001457117.5).